The following is an entry in ClinVar:

ClinVar aggregate classification (germline): Uncertain significance. Review status: criteria provided, multiple submitters, no conflicts (2 of 4 stars). 5 submissions from 5 submitters: Uncertain significance (5). Last evaluated 2025-05-08.

Conditions:
ARSG-related disorder. Also called: ARSG-related condition.

Allele frequency attached by ClinVar (database versions not stated): gnomAD exomes 0.00001 and 0.00002; ExAC 0.00002; TOPMed 0.00009; gnomAD 0.00010 and 0.00011; ESP Exome Variant Server 0.00023.
gnomAD v4.1: 37 of 1,614,144 alleles (0.0023%); highest among the groups gnomAD compares: African/African-American, 0.029%; no homozygotes.

Submissions (5):

PreventionGenetics, part of Exact Sciences
Classification: Uncertain significance for ARSG-related condition. Last evaluated: 2025-05-08. Review status: criteria provided, single submitter. Criteria: ACMG Guidelines, 2015. Collection method: clinical testing. Allele origin: germline.
Comment: The ARSG c.697C>T variant is predicted to result in the amino acid substitution p.Arg233Cys. To our knowledge, this variant has not been reported in the literature. This variant is reported in 0.024% of alleles in individuals of African descent in gnomAD. At this time, the clinical significance of this variant is uncertain due to the absence of conclusive functional and genetic evidence.

Ambry Genetics
Classification: Uncertain significance. Last evaluated: 2024-06-28. Review status: criteria provided, single submitter. Criteria: Ambry Variant Classification Scheme 2023. Collection method: clinical testing. Allele origin: germline.

Labcorp Genetics (formerly Invitae), Labcorp
Classification: Uncertain significance. Last evaluated: 2022-06-22. Review status: criteria provided, single submitter. Criteria: Invitae Variant Classification Sherloc (09022015). Collection method: clinical testing. Allele origin: germline.
Comment: This sequence change replaces arginine, which is basic and polar, with cysteine, which is neutral and slightly polar, at codon 233 of the ARSG protein (p.Arg233Cys). This variant is present in population databases (rs144846341, gnomAD 0.02%). This variant has not been reported in the literature in individuals affected with ARSG-related conditions. ClinVar contains an entry for this variant (Variation ID: 954507). Algorithms developed to predict the effect of missense changes on protein structure and function are either unavailable or do not agree on the potential impact of this missense change (SIFT: "Tolerated"; PolyPhen-2: "Possibly Damaging"; Align-GVGD: "Class C15"). In summary, the available evidence is currently insufficient to determine the role of this variant in disease. Therefore, it has been classified as a Variant of Uncertain Significance.

Blueprint Genetics
Classification: Uncertain significance. Last evaluated: 2020-12-02. Review status: criteria provided, single submitter. Criteria: ACMG Guidelines, 2015. Collection method: clinical testing. Allele origin: germline.

Breakthrough Genomics
Classification: Uncertain significance. Review status: criteria provided, single submitter. Criteria: ACMG Guidelines, 2015. Collection method: not provided. Allele origin: germline. Inheritance: Autosomal recessive inheritance. Affected: yes.

NM_001267727.2(ARSG):c.697C>T (p.Arg233Cys)

Genes: ARSG (arylsulfatase G; plus strand), LOC130061524 (ATAC-STARR-seq lymphoblastoid active region 12647; plus strand). Cytogenetic location: 17q24.2.
Variant type: single nucleotide variant.
Coding change: c.697C>T on transcript NM_001267727.2 (MANE Select); coding-DNA position 697, C replaced by T.
Protein change: p.Arg233Cys; replaces arginine 233 with cysteine.
Molecular consequence: missense variant.
Genome position (GRCh38, 1-based): chr17:68,356,797, C>T. VCF-style: chr17-68356797-C-T. GRCh37 (hg19) VCF-style: chr17-66352938-C-T.
Other names: c.697C>T (NM_014960.3); c.697C>T, p.Arg233Cys (NM_001352899.2, NM_001352900.2, NM_001352901.2 and 8 more transcripts); c.649C>T, p.Arg217Cys (NM_001352909.2); short protein forms R217C, R233C.
Identifiers: ClinVar variation 954507 (VCV000954507.11), dbSNP rs144846341, ClinGen allele CA8728312.
Genomic context (GRCh38, chr17:68,356,797, plus strand): 5'-CCGGTGAACTTGAGCAGCCTTGCCCAGAAGTATGCTGAGAAAGCAACCCAGTTCATCCAG[C>T]GTGCAAGGTGAGGAGTCTCCCTCCCTCCGCAGGGCCTCCCCCTGCCTCCACCTACCCGTG-3'
Protein context (NP_001254656.1, residues 223-243): YAEKATQFIQ[Arg233Cys]ASTSGRPFLL